The following is an entry in ClinVar:

ClinVar aggregate classification (germline): Uncertain significance (1 of 4 stars; one submission).

gnomAD v4.1: 33 of 1,552,020 alleles (0.0021%); highest among the groups gnomAD compares: Non-Finnish European, 0.0028%; no homozygotes.

Submission:

Labcorp Genetics (formerly Invitae), Labcorp
Classification: Uncertain significance. Last evaluated: 2024-05-21. Review status: criteria provided, single submitter. Criteria: Invitae Variant Classification Sherloc (09022015). Collection method: clinical testing. Allele origin: germline.
Comment: This sequence change replaces arginine, which is basic and polar, with lysine, which is basic and polar, at codon 351 of the ARHGEF10 protein (p.Arg351Lys). The frequency data for this variant in the population databases is considered unreliable, as metrics indicate poor data quality at this position in the gnomAD database. This variant has not been reported in the literature in individuals affected with ARHGEF10-related conditions. An algorithm developed to predict the effect of missense changes on protein structure and function (PolyPhen-2) suggests that this variant is likely to be tolerated. In summary, the available evidence is currently insufficient to determine the role of this variant in disease. Therefore, it has been classified as a Variant of Uncertain Significance.

NM_014629.4(ARHGEF10):c.1052G>A (p.Arg351Lys)

Gene: ARHGEF10 (Rho guanine nucleotide exchange factor 10; plus strand). Cytogenetic location: 8p23.3.
Variant type: single nucleotide variant.
Coding change: c.1052G>A on transcript NM_014629.4 (MANE Select); coding-DNA position 1052, G replaced by A.
Protein change: p.Arg351Lys; replaces arginine 351 with lysine.
Molecular consequence: missense variant.
Genome position (GRCh38, 1-based): chr8:1,882,726, G>A. VCF-style: chr8-1882726-G-A. GRCh37 (hg19) VCF-style: chr8-1830892-G-A.
Other names: c.938G>A, p.Arg313Lys (NM_001308152.2); c.1055G>A, p.Arg352Lys (NM_001308153.3); short protein forms R376K, R351K, R313K, R352K.
Identifiers: ClinVar variation 3715187 (VCV003715187.2).